The following is an entry in ClinVar:

ClinVar aggregate classification (germline): Uncertain significance (1 of 4 stars; one submission).

Allele frequency attached by ClinVar (database versions not stated): gnomAD exomes below 0.00001.
gnomAD v4.1: 1 of 1,566,938 alleles (0.000064%); highest among the groups gnomAD compares: Admixed American, 0.0018%; no homozygotes.

Submission:

Labcorp Genetics (formerly Invitae), Labcorp
Classification: Uncertain significance. Last evaluated: 2022-09-01. Review status: criteria provided, single submitter. Criteria: Invitae Variant Classification Sherloc (09022015). Collection method: clinical testing. Allele origin: germline.
Comment: In summary, the available evidence is currently insufficient to determine the role of this variant in disease. Therefore, it has been classified as a Variant of Uncertain Significance. Variants that disrupt the consensus splice site are a relatively common cause of aberrant splicing (PMID: 17576681, 9536098). Algorithms developed to predict the effect of sequence changes on RNA splicing suggest that this variant is not likely to affect RNA splicing. ClinVar contains an entry for this variant (Variation ID: 1510062). This variant has not been reported in the literature in individuals affected with STAT4-related conditions. This variant is present in population databases (no rsID available, gnomAD 0.003%). This sequence change falls in intron 18 of the STAT4 gene. It does not directly change the encoded amino acid sequence of the STAT4 protein. It affects a nucleotide within the consensus splice site.

Literature cited by the submitters: PubMed 17576681; PubMed 9536098.

NM_003151.4(STAT4):c.1621-3T>C

Gene: STAT4 (signal transducer and activator of transcription 4; minus strand). Cytogenetic location: 2q32.2.
Variant type: single nucleotide variant.
Coding change: c.1621-3T>C on transcript NM_003151.4 (MANE Select); 3 bases into the intron before coding-DNA position 1621, T replaced by C.
Molecular consequence: intron variant.
Genome position (GRCh38, 1-based): chr2:191,034,008, A>G on the plus strand (T>C on the coding strand, the complement: STAT4 is on the minus strand). VCF-style: chr2-191034008-A-G. GRCh37 (hg19) VCF-style: chr2-191898734-A-G.
Other names: c.1621-3T>C (NM_001243835.2).
Identifiers: ClinVar variation 1510062 (VCV001510062.6), dbSNP rs1171452415, ClinGen allele CA538481260.
Genomic context (GRCh38, chr2:191,034,008, plus strand): 5'-GATCCAATATTGCTTCAAGCCATGTCCAAAAGGTAAATGATTTACCAGGTAAATGTTCCT[A>G]CAGGAATAGACAAGCACATTAAGACAATGATTATTTAAGTAATAATGTTGATATAATAAT-3'